The following is an entry in ClinVar:

ClinVar aggregate classification (germline): Uncertain significance. Review status: criteria provided, multiple submitters, no conflicts (2 of 4 stars). 2 submissions from 2 submitters: Uncertain significance (2). Last evaluated 2024-01-02.

Conditions:
Inborn genetic diseases. Identifiers: MedGen C0950123, MeSH D030342.
Hereditary sensory and autonomic neuropathy type 6. Also called: Neuropathy, hereditary sensory and autonomic, type VI; HSAN VI. Identifiers: Orphanet 314381, MedGen C3539003, MONDO:0013839, OMIM 614653.
Epidermolysis bullosa simplex 3, localized or generalized intermediate, with BP230 deficiency (EBS3). Also called: Epidermolysis bullosa simplex, autosomal recessive 2; Epidermolysis bullosa simplex due to BP230 deficiency. Identifiers: Orphanet 412181, MedGen C3809470, MONDO:0014180, OMIM 615425.

Allele frequency attached by ClinVar (database versions not stated): gnomAD exomes below 0.00001 and 0.00001; TOPMed below 0.00001.
gnomAD v4.1: 12 of 1,613,796 alleles (0.00074%); highest among the groups gnomAD compares: Non-Finnish European, 0.00093%; no homozygotes.

Submissions (2):

Labcorp Genetics (formerly Invitae), Labcorp
Classification: Uncertain significance for Epidermolysis bullosa simplex 3, localized or generalized intermediate, with BP230 deficiency; Hereditary sensory and autonomic neuropathy type 6. Last evaluated: 2024-01-02. Review status: criteria provided, single submitter. Criteria: Invitae Variant Classification Sherloc (09022015). Collection method: clinical testing. Allele origin: germline.
Comment: The DST gene has multiple clinically relevant transcripts. This variant occurs in alternate transcript NM_015548.4, and corresponds to NM_001723.5:c.*151879A>G in the primary transcript. This sequence change replaces asparagine, which is neutral and polar, with serine, which is neutral and polar, at codon 4982 of the DST protein (p.Asn4982Ser). This variant is present in population databases (no rsID available, gnomAD 0.0009%). This variant has not been reported in the literature in individuals affected with DST-related conditions. Experimental studies and prediction algorithms are not available or were not evaluated, and the functional significance of this variant is currently unknown. In summary, the available evidence is currently insufficient to determine the role of this variant in disease. Therefore, it has been classified as a Variant of Uncertain Significance.

Ambry Genetics
Classification: Uncertain significance for Inborn genetic diseases. Last evaluated: 2022-04-21. Review status: criteria provided, single submitter. Criteria: Ambry Variant Classification Scheme 2023. Collection method: clinical testing. Allele origin: germline.
Comment: The p.N5486S variant (also known as c.16457A>G), located in coding exon 94 of the DST gene, results from an A to G substitution at nucleotide position 16457. The asparagine at codon 5486 is replaced by serine, an amino acid with highly similar properties. This amino acid position is well conserved in available vertebrate species; however, serine is the reference amino acid in other vertebrate species. In addition, this alteration is predicted to be tolerated by in silico analysis. Since supporting evidence is limited at this time, the clinical significance of this alteration remains unclear.

NM_001374736.1(DST):c.22886A>G (p.Asn7629Ser)

Gene: DST (dystonin; minus strand). Cytogenetic location: 6p12.1.
Variant type: single nucleotide variant.
Coding change: c.22886A>G on transcript NM_001374736.1 (MANE Select); coding-DNA position 22886, A replaced by G.
Protein change: p.Asn7629Ser; replaces asparagine 7629 with serine.
Molecular consequence: missense variant.
Genome position (GRCh38, 1-based): chr6:56,463,638, T>C on the plus strand (A>G on the coding strand, the complement: DST is on the minus strand). VCF-style: chr6-56463638-T-C. GRCh37 (hg19) VCF-style: chr6-56328436-T-C.
Other names: c.16457A>G, p.Asn5486Ser (NM_001144769.5); c.16043A>G, p.Asn5348Ser (NM_001144770.2); c.22814A>G, p.Asn7605Ser (NM_001374722.1); c.21926A>G, p.Asn7309Ser (NM_001374729.1); c.15668A>G, p.Asn5223Ser (NM_001374730.1); c.22841A>G, p.Asn7614Ser (NM_001374734.1); c.14945A>G, p.Asn4982Ser (NM_015548.5); c.15923A>G, p.Asn5308Ser (NM_183380.4); short protein forms N5223S, N7629S, N5308S, N7309S, N7605S, N4982S, N5348S, N5486S.
Identifiers: ClinVar variation 965145 (VCV000965145.10), dbSNP rs1270972086, ClinGen allele CA364504860.
Genomic context (GRCh38, chr6:56,463,638, plus strand): 5'-GTGGCAGGGACCTGTGGGGAGGCCGCCTGCGCAGCCTGACTGGACACAGAAGTGGATCTG[T>C]TGGGTGAAGCGCCTCGTGATGATGGCCGGGATCTTCGGCCTCGGGGTCGGAAAGCAGCCA-3'
Protein context (NP_001361665.1, residues 7619-7639): SRPSSRGASP[Asn7629Ser]RSTSVSSQAA